The following is an entry in ClinVar:

ClinVar aggregate classification (germline): Likely pathogenic. Review status: criteria provided, multiple submitters, no conflicts (2 of 4 stars). 2 submissions from 2 submitters: Likely pathogenic (2). Last evaluated 2020-07-06.

Conditions:
Ataxia-telangiectasia-like disorder (ATLD). Identifiers: MedGen C1858391, MONDO:0011457.
Hereditary cancer-predisposing syndrome. Also called: Neoplastic Syndromes, Hereditary; Tumor predisposition; Hereditary Cancer Syndrome; Hereditary neoplastic syndrome. Identifiers: Orphanet 140162, MedGen C0027672, MeSH D009386, MONDO:0015356.

Submissions (2):

Ambry Genetics
Classification: Likely pathogenic for Hereditary cancer-predisposing syndrome. Last evaluated: 2020-07-06. Review status: criteria provided, single submitter. Criteria: Ambry Variant Classification Scheme 2023. Collection method: clinical testing. Allele origin: germline.
Comment: The c.402+2_402+3delTAinsGGG intronic variant, located in intron 4 of the MRE11A gene, results from a deletion of two nucleotides at nucleotide position c.402+2 to c.402+3 (TA) and the insertion of three nucleotides (GGG). This nucleotide region is well conserved in available vertebrate species. Using the BDGP and ESEfinder splice site prediction tools, this alteration is predicted to abolish the native splice donor site; however, direct evidence is unavailable. Alterations that disrupt the canonical splice site are expected to cause aberrant splicing, resulting in an abnormal protein or a transcript that is subject to nonsense-mediated mRNA decay. As such, this alteration is classified as likely pathogenic.

Labcorp Genetics (formerly Invitae), Labcorp
Classification: Likely pathogenic for Ataxia-telangiectasia-like disorder. Last evaluated: 2019-11-27. Review status: criteria provided, single submitter. Criteria: Invitae Variant Classification Sherloc (09022015). Collection method: clinical testing. Allele origin: germline.
Comment: In summary, the currently available evidence indicates that the variant is pathogenic, but additional data are needed to prove that conclusively. Therefore, this variant has been classified as Likely Pathogenic. Donor and acceptor splice site variants typically lead to a loss of protein function (PMID: 16199547), and loss-of-function variants in MRE11 are known to be pathogenic (PMID: 23080121, 23912341). Algorithms developed to predict the effect of sequence changes on RNA splicing suggest that this variant may disrupt the consensus splice site, but this prediction has not been confirmed by published transcriptional studies. This variant has not been reported in the literature in individuals with MRE11-related conditions. This variant is not present in population databases (ExAC no frequency). This sequence change affects a donor splice site in intron 5 of the MRE11 gene. It is expected to disrupt RNA splicing and likely results in an absent or disrupted protein product.

Literature cited by the submitters: PubMed 16199547 (cited by Labcorp Genetics (formerly Invitae), Labcorp); PubMed 23080121 (cited by Labcorp Genetics (formerly Invitae), Labcorp); PubMed 23912341 (cited by Labcorp Genetics (formerly Invitae), Labcorp).

NM_005591.4(MRE11):c.402+2_402+3delinsGGG

Gene: MRE11 (MRE11 double strand break repair nuclease; minus strand). Cytogenetic location: 11q21.
Variant type: Indel.
Coding change: c.402+2_402+3delinsGGG on transcript NM_005591.4 (MANE Select); the canonical splice donor site of the intron after coding-DNA position 402 through 3 bases into the intron after coding-DNA position 402, TA replaced by GGG.
Molecular consequence: splice donor variant.
Genome position (GRCh38, 1-based): chr11:94,479,671-94,479,672, TA replaced by CCC on the plus strand (TA replaced by GGG on the coding strand, the reverse complement: MRE11 is on the minus strand). VCF-style: chr11-94479671-TA-CCC. GRCh37 (hg19) VCF-style: chr11-94212837-TA-CCC.
Other names: c.402+2_402+3delTAinsGGG (NM_005591.3); c.402+2_402+3delinsGGG (NM_001330347.2, NM_005590.4).
Identifiers: ClinVar variation 481774 (VCV000481774.11), dbSNP rs1555015413, ClinGen allele CA658658088.
Genomic context (GRCh38, chr11:94,479,671, plus strand): 5'-CCACAGACAAACTAAACTGATCATTTCCAAAATTCCAACAAACTCTAAGAAAACAATAAT[TA>CCC]CCCCTGTGGGATCGTCATGATTGCCATGAATACTAAACACTGGAATTGAAATGTTGAGGT-3'